The following is an entry in ClinVar:

NM_000275.3(OCA2):c.2510G>A (p.Trp837Ter)

Gene: OCA2 (OCA2 melanosomal transmembrane protein; minus strand). Cytogenetic location: 15q12.
Variant type: single nucleotide variant.
Coding change: c.2510G>A on transcript NM_000275.3 (MANE Select); coding-DNA position 2510, G replaced by A.
Protein change: p.Trp837Ter; replaces tryptophan 837 with a stop codon.
Molecular consequence: nonsense.
Genome position (GRCh38, 1-based): chr15:27,755,395, C>T on the plus strand (G>A on the coding strand, the complement: OCA2 is on the minus strand). VCF-style: chr15-27755395-C-T. GRCh37 (hg19) VCF-style: chr15-28000541-C-T.
Other names: c.2438G>A, p.Trp813Ter (NM_001300984.2); short protein forms W813*, W837*.
Identifiers: ClinVar variation 4761936 (VCV004761936.1).

ClinVar aggregate classification (germline): Uncertain significance (1 of 4 stars; one submission).

gnomAD v4.1: 3 of 1,611,722 alleles (0.00019%); highest among the groups gnomAD compares: Admixed American, 0.005%; no homozygotes.

Submission:

Labcorp Genetics (formerly Invitae), Labcorp
Classification: Uncertain significance. Last evaluated: 2025-05-06. Review status: criteria provided, single submitter. Criteria: Invitae Variant Classification Sherloc (09022015). Collection method: clinical testing. Allele origin: germline.
Comment: This sequence change creates a premature translational stop signal (p.Trp837*) in the OCA2 gene. While this is not anticipated to result in nonsense mediated decay, it is expected to disrupt the last 2 amino acid(s) of the OCA2 protein. This variant is present in population databases (rs760853582, gnomAD 0.009%). This variant has not been reported in the literature in individuals affected with OCA2-related conditions. Experimental studies and prediction algorithms are not available or were not evaluated, and the functional significance of this variant is currently unknown. In summary, the available evidence is currently insufficient to determine the role of this variant in disease. Therefore, it has been classified as a Variant of Uncertain Significance.